The following is an entry in ClinVar:

ClinVar aggregate classification (germline): Pathogenic (1 of 4 stars; one submission).

Conditions:
Ataxia-telangiectasia syndrome (AT). Also called: Ataxia-telangiectasia, complementation group D; AT, COMPLEMENTATION GROUP C; ATAXIA-TELANGIECTASIA, COMPLEMENTATION GROUP A; ATAXIA-TELANGIECTASIA, FRESNO VARIANT; Ataxia-telangiectasia; Ataxia-telangiectasia, complementation group E. Identifiers: Orphanet 100, MedGen C0004135, MONDO:0008840, OMIM 208900.

Submission:

Labcorp Genetics (formerly Invitae), Labcorp
Classification: Pathogenic for Ataxia-telangiectasia syndrome. Last evaluated: 2025-03-02. Review status: criteria provided, single submitter. Criteria: Invitae Variant Classification Sherloc (09022015). Collection method: clinical testing. Allele origin: germline.
Comment: This sequence change creates a premature translational stop signal (p.Gln2220Serfs*29) in the ATM gene. It is expected to result in an absent or disrupted protein product. Loss-of-function variants in ATM are known to be pathogenic (PMID: 23807571, 25614872). This variant is not present in population databases (gnomAD no frequency). This variant has not been reported in the literature in individuals affected with ATM-related conditions. Algorithms developed to predict the effect of sequence changes on RNA splicing suggest that this variant may disrupt the consensus splice site. For these reasons, this variant has been classified as Pathogenic.

Literature cited by the submitters: PubMed 23807571; PubMed 25614872.

NM_000051.4(ATM):c.6657dup (p.Gln2220fs)

Genes: ATM (ATM serine/threonine kinase; plus strand), C11orf65 (chromosome 11 open reading frame 65; minus strand). Cytogenetic location: 11q22.3.
Variant type: Duplication.
Coding change: c.6657dup on transcript NM_000051.4 (MANE Select); coding-DNA position 6657, one base duplicated (T; older notation c.6657dupT).
Protein change: p.Gln2220fs; shifts the reading frame from glutamine 2220.
Molecular consequence: frameshift variant. On other transcripts: intron variant (2).
Genome position (GRCh38, 1-based): chr11:108,325,394, T duplicated; the last of 4 consecutive T bases (chr11:108,325,391-108,325,394); duplicating any one gives the same sequence. VCF-style (leftmost placement, unchanged base first): chr11-108325390-G-GT. GRCh37 (hg19) VCF-style: chr11-108196117-G-GT.
Other names: c.6657dup, p.Gln2220fs (NM_001351834.2); c.641-16320dup (NM_001330368.2); c.*38+9829dup (NM_001351110.2); short protein forms Q2220fs.
Identifiers: ClinVar variation 4714176 (VCV004714176.1).
Genomic context (GRCh38, chr11:108,325,390, plus strand): 5'-TCTCTGAAGTATATATTAAGTGGCAGAAACACTCCCAGCTTCTCAAGGACAGTGATTTTA[G>GT]TTTTCAGGAGCCTATCATGGCTCTACGCACAGTCATTTTGGAGATCCTGATGGAAAAGGA-3'